The following is an entry in ClinVar:

ClinVar aggregate classification (germline): Likely pathogenic (1 of 4 stars; one submission).

Conditions:
Neurodegeneration with brain iron accumulation 5 (NBIA5). Also called: STATIC ENCEPHALOPATHY OF CHILDHOOD WITH NEURODEGENERATION IN ADULTHOOD; Beta-propeller protein-associated neurodegeneration. Identifiers: Orphanet 329284, MedGen C3550973, MONDO:0010476, OMIM 300894.

Submission:

Labcorp Genetics (formerly Invitae), Labcorp
Classification: Likely pathogenic for Neurodegeneration with brain iron accumulation 5. Last evaluated: 2018-10-03. Review status: criteria provided, single submitter. Criteria: Invitae Variant Classification Sherloc (09022015). Collection method: clinical testing. Allele origin: germline.
Comment: This sequence change falls in intron 7 of the WDR45 gene. It does not directly change the encoded amino acid sequence of the WDR45 protein, but it affects a nucleotide within the consensus splice site of the intron. This variant is not present in population databases (ExAC no frequency). Nucleotide substitutions within the consensus splice site are a relatively common cause of aberrant splicing (PMID: 17576681, 9536098). Algorithms developed to predict the effect of sequence changes on RNA splicing suggest that this variant may disrupt the consensus splice site, but this prediction has not been confirmed by published transcriptional studies. In summary, the currently available evidence indicates that the variant is pathogenic, but additional data are needed to prove that conclusively. Therefore, this variant has been classified as Likely Pathogenic.

NM_001029896.2(WDR45):c.437-3T>G

Gene: WDR45 (WD repeat domain 45; minus strand). Cytogenetic location: Xp11.23.
Variant type: single nucleotide variant.
Coding change: c.437-3T>G on transcript NM_001029896.2 (MANE Select); 3 bases into the intron before coding-DNA position 437, T replaced by G.
Molecular consequence: intron variant.
Genome position (GRCh38, 1-based): chrX:49,075,948, A>C on the plus strand (T>G on the coding strand, the complement: WDR45 is on the minus strand). VCF-style: chrX-49075948-A-C. GRCh37 (hg19) VCF-style: chrX-48933607-A-C.
Other names: c.440-3T>G (NM_007075.4).
Identifiers: ClinVar variation 639197 (VCV000639197.1), dbSNP rs1602538385, ClinGen allele CA412945586.